The following is an entry in ClinVar:

ClinVar aggregate classification (germline): Conflicting classifications of pathogenicity. Review status: criteria provided, conflicting classifications (1 of 4 stars). 2 submissions from 2 submitters: Likely pathogenic (1); Uncertain significance (1). Last evaluated 2026-06-09.

Conditions:
Inborn genetic diseases. Identifiers: MedGen C0950123, MeSH D030342.

gnomAD v4.1: 1 of 1,614,166 alleles (0.000062%); highest among the groups gnomAD compares: Non-Finnish European, 0.000085%; no homozygotes.

Submissions (2):

GeneDx
Classification: Likely pathogenic. Last evaluated: 2026-06-09. Review status: criteria provided, single submitter. Criteria: GeneDx Variant Classification Process June 2021. Collection method: clinical testing. Allele origin: germline.
Comment: Not observed at significant frequency in large population cohorts (gnomAD); In silico analysis supports that this missense variant has a deleterious effect on protein structure/function; Has not been previously published as pathogenic or benign to our knowledge; Also known as p.(M189V); This variant is associated with the following publications: (PMID: 21652629, 17224651)

Ambry Genetics
Classification: Uncertain significance for Inborn genetic diseases. Last evaluated: 2024-09-10. Review status: criteria provided, single submitter. Criteria: Ambry Variant Classification Scheme 2023. Collection method: clinical testing. Allele origin: germline.

NM_003722.5(TP63):c.682A>G (p.Met228Val)

Gene: TP63 (tumor protein p63; plus strand). Cytogenetic location: 3q28.
Variant type: single nucleotide variant.
Coding change: c.682A>G on transcript NM_003722.5 (MANE Select); coding-DNA position 682, A replaced by G.
Protein change: p.Met228Val; replaces methionine 228 with valine.
Molecular consequence: missense variant.
Genome position (GRCh38, 1-based): chr3:189,864,334, A>G. VCF-style: chr3-189864334-A-G. GRCh37 (hg19) VCF-style: chr3-189582123-A-G.
Other names: c.682A>G, p.Met228Val (NM_001114978.2, NM_001114979.2, NM_001329144.2 and 1 more transcripts); c.400A>G, p.Met134Val (NM_001114980.2, NM_001114981.2, NM_001114982.2 and 2 more transcripts); c.145A>G, p.Met49Val (NM_001329146.2, NM_001329150.2); c.676A>G, p.Met226Val (NM_001329964.2); short protein forms M134V, M226V, M228V, M49V.
Identifiers: ClinVar variation 3369303 (VCV003369303.3).